The following is an entry in ClinVar:

ClinVar aggregate classification (germline): Pathogenic (1 of 4 stars; one submission).

Conditions:
Hereditary nonpolyposis colorectal neoplasms. Identifiers: MedGen C0009405, MeSH D003123.

Submission:

Labcorp Genetics (formerly Invitae), Labcorp
Classification: Pathogenic for Hereditary nonpolyposis colorectal neoplasms. Last evaluated: 2018-05-29. Review status: criteria provided, single submitter. Criteria: Invitae Variant Classification Sherloc (09022015). Collection method: clinical testing. Allele origin: germline.
Comment: For these reasons, this variant has been classified as Pathogenic. Loss-of-function variants in MSH6 are known to be pathogenic (PMID: 18269114, 24362816). This variant has not been reported in the literature in individuals with MSH6-related disease. This variant is an out-of-frame deletion of the genomic region encompassing exon 4 of the MSH6 gene. This is expected to create a premature translational stop signal and result in an absent or disrupted protein product.

Literature cited by the submitters: PubMed 18269114; PubMed 24362816.

NC_000002.12:g.(?_47798601)_(47801165_?)del

Gene: MSH6 (mutS homolog 6; plus strand). Cytogenetic location: 2p16.3.
Variant type: Deletion.
Identifiers: ClinVar variation 584174 (VCV000584174.3).